The following is an entry in ClinVar:

NM_000447.3(PSEN2):c.1150G>T (p.Asp384Tyr)

Gene: PSEN2 (presenilin 2; plus strand). Cytogenetic location: 1q42.13.
Variant type: single nucleotide variant.
Coding change: c.1150G>T on transcript NM_000447.3 (MANE Select); coding-DNA position 1150, G replaced by T.
Protein change: p.Asp384Tyr; replaces aspartic acid 384 with tyrosine.
Molecular consequence: missense variant.
Genome position (GRCh38, 1-based): chr1:226,894,084, G>T. VCF-style: chr1-226894084-G-T. GRCh37 (hg19) VCF-style: chr1-227081785-G-T.
Other names: c.1147G>T, p.Asp383Tyr (NM_012486.3); short protein forms D383Y, D384Y.
Identifiers: ClinVar variation 3901837 (VCV003901837.1).

ClinVar aggregate classification (germline): Uncertain significance (1 of 4 stars; one submission).

Conditions:
Alzheimer disease 4 (AD4). Identifiers: Orphanet 1020, MedGen C1847200, MONDO:0011743, OMIM 606889.

Submission:

Human Genome Lab, NIMHANS, National Institute of Mental Health and Neuro Sciences
Classification: Uncertain significance for Alzheimer disease 4. Review status: criteria provided, single submitter. Criteria: ACMG Guidelines, 2015. Collection method: clinical testing. Allele origin: germline. Inheritance: Autosomal dominant inheritance. Affected: yes. Observed: 1 heterozygote.
Comment: The missense variant NM_000447.3(PSEN2):c.1150G>T (p.Asp384Tyr) has not been reported previously as a pathogenic variant nor as a benign variant, to our knowledge. The p.Asp384Tyr variant is novel in 1kG All. The p.Asp384Tyr variant is observed in 1/628768 (0.000159041%) allele from individuals of gnomAD joint frequencies database (PM2). There is a large physicochemical difference between aspartic acid and tyrosine, which is likely to impact secondary protein structure as these residues differ in polarity, charge, size and/or other properties. The gene PSEN2 has a low rate of benign missense variation as indicated by a high missense variants Z-Score of 1.36. The gene PSEN2 contains 6 pathogenic missense variants, indicating that missense variants are a common mechanism of disease in this gene (PP2). The p.Asp384Tyr missense variant is predicted to be damaging by both SIFT and PolyPhen2. Alpha Missense also classifies this variant as pathogenic. The aspartic acid residue at codon 384 of PSEN2 is conserved in all mammalian species. The nucleotide c.1150 in PSEN2 is predicted conserved by GERP++ and PhyloP across 100 vertebrates (PP3). For these reasons, this variant has been classified as Uncertain Significance. ACMG Criteria: PM2 PP2 PP3